The following is an entry in ClinVar:

ClinVar aggregate classification (germline): Uncertain significance (1 of 4 stars; one submission).

Allele frequency attached by ClinVar (database versions not stated): TOPMed below 0.00001; gnomAD 0.00001.
gnomAD v4.1: 2 of 1,614,118 alleles (0.00012%); highest among the groups gnomAD compares: African/African-American, 0.0027%; no homozygotes.

Submission:

Labcorp Genetics (formerly Invitae), Labcorp
Classification: Uncertain significance. Last evaluated: 2022-06-13. Review status: criteria provided, single submitter. Criteria: Invitae Variant Classification Sherloc (09022015). Collection method: clinical testing. Allele origin: germline.
Comment: Algorithms developed to predict the effect of missense changes on protein structure and function (SIFT, PolyPhen-2, Align-GVGD) all suggest that this variant is likely to be disruptive. In summary, the available evidence is currently insufficient to determine the role of this variant in disease. Therefore, it has been classified as a Variant of Uncertain Significance. This variant has not been reported in the literature in individuals affected with MERTK-related conditions. This variant is not present in population databases (gnomAD no frequency). This sequence change replaces tyrosine, which is neutral and polar, with histidine, which is basic and polar, at codon 812 of the MERTK protein (p.Tyr812His).

NM_006343.3(MERTK):c.2434T>C (p.Tyr812His)

Gene: MERTK (MER proto-oncogene, tyrosine kinase; plus strand). Cytogenetic location: 2q13.
Variant type: single nucleotide variant.
Coding change: c.2434T>C on transcript NM_006343.3 (MANE Select); coding-DNA position 2434, T replaced by C.
Protein change: p.Tyr812His; replaces tyrosine 812 with histidine.
Molecular consequence: missense variant.
Genome position (GRCh38, 1-based): chr2:112,022,342, T>C. VCF-style: chr2-112022342-T-C. GRCh37 (hg19) VCF-style: chr2-112779919-T-C.
Other names: short protein forms Y812H.
Identifiers: ClinVar variation 1513360 (VCV001513360.8), dbSNP rs1190689301, ClinGen allele CA348240153.